The following is an entry in ClinVar:

ClinVar aggregate classification (germline): Uncertain significance (1 of 4 stars; one submission).

Conditions:
Catecholaminergic polymorphic ventricular tachycardia 1. Also called: RYR2-Related Catecholaminergic Polymorphic Ventricular Tachycardia; VENTRICULAR TACHYCARDIA, CATECHOLAMINERGIC POLYMORPHIC, 1, WITH OR WITHOUT ATRIAL DYSFUNCTION AND/OR DILATED CARDIOMYOPATHY; VENTRICULAR TACHYCARDIA, STRESS-INDUCED POLYMORPHIC 1. Identifiers: Orphanet 3286, MedGen C1631597, MONDO:0011484, OMIM 604772.

Submission:

Labcorp Genetics (formerly Invitae), Labcorp
Classification: Uncertain significance for Catecholaminergic polymorphic ventricular tachycardia 1. Last evaluated: 2022-10-13. Review status: criteria provided, single submitter. Criteria: Invitae Variant Classification Sherloc (09022015). Collection method: clinical testing. Allele origin: germline.
Comment: In summary, the available evidence is currently insufficient to determine the role of this variant in disease. Therefore, it has been classified as a Variant of Uncertain Significance. This variant has not been reported in the literature in individuals affected with RYR2-related conditions. This variant is not present in population databases (gnomAD no frequency). This sequence change creates a premature translational stop signal (p.Trp2741*) in the RYR2 gene. It is expected to result in an absent or disrupted protein product. However, the current clinical and genetic evidence is not sufficient to establish whether loss-of-function variants in RYR2 cause disease.

NM_001035.3(RYR2):c.8222G>A (p.Trp2741Ter)

Gene: RYR2 (ryanodine receptor 2; plus strand). Cytogenetic location: 1q43.
Variant type: single nucleotide variant.
Coding change: c.8222G>A on transcript NM_001035.3 (MANE Select); coding-DNA position 8222, G replaced by A.
Protein change: p.Trp2741Ter; replaces tryptophan 2741 with a stop codon.
Molecular consequence: nonsense.
Genome position (GRCh38, 1-based): chr1:237,659,998, G>A. VCF-style: chr1-237659998-G-A. GRCh37 (hg19) VCF-style: chr1-237823298-G-A.
Other names: short protein forms W2741*.
Identifiers: ClinVar variation 2016160 (VCV002016160.4), dbSNP rs2547113982, ClinGen allele CA345401333.